The following is an entry in ClinVar:

ClinVar aggregate classification (germline): Uncertain significance (1 of 4 stars; one submission).

Allele frequency attached by ClinVar (database versions not stated): gnomAD 0.00001; TOPMed 0.00002.

Submission:

Labcorp Genetics (formerly Invitae), Labcorp
Classification: Uncertain significance. Last evaluated: 2023-06-15. Review status: criteria provided, single submitter. Criteria: Invitae Variant Classification Sherloc (09022015). Collection method: clinical testing. Allele origin: germline.
Comment: This sequence change replaces tyrosine, which is neutral and polar, with cysteine, which is neutral and slightly polar, at codon 188 of the DLX3 protein (p.Tyr188Cys). Advanced modeling of protein sequence and biophysical properties (such as structural, functional, and spatial information, amino acid conservation, physicochemical variation, residue mobility, and thermodynamic stability) performed at Invitae indicates that this missense variant is expected to disrupt DLX3 protein function. This variant has not been reported in the literature in individuals affected with DLX3-related conditions. This variant is present in population databases (rs780848971, gnomAD 0.0009%). In summary, the available evidence is currently insufficient to determine the role of this variant in disease. Therefore, it has been classified as a Variant of Uncertain Significance.

NM_005220.3(DLX3):c.563A>G (p.Tyr188Cys)

Gene: DLX3 (distal-less homeobox 3; minus strand). Cytogenetic location: 17q21.33.
Variant type: single nucleotide variant.
Coding change: c.563A>G on transcript NM_005220.3 (MANE Select); coding-DNA position 563, A replaced by G.
Protein change: p.Tyr188Cys; replaces tyrosine 188 with cysteine.
Molecular consequence: missense variant.
Genome position (GRCh38, 1-based): chr17:49,991,818, T>C on the plus strand (A>G on the coding strand, the complement: DLX3 is on the minus strand). VCF-style: chr17-49991818-T-C. GRCh37 (hg19) VCF-style: chr17-48069182-T-C.
Other names: short protein forms Y188C.
Identifiers: ClinVar variation 2993170 (VCV002993170.3), dbSNP rs780848971, ClinGen allele CA8640990.